The following is an entry in ClinVar:

ClinVar aggregate classification (germline): Benign (1 of 4 stars; one submission).

Allele frequency attached by ClinVar (database versions not stated): gnomAD 0.10006 and 0.10611; 1000 Genomes Project 0.11550; TOPMed 0.11880; 1000 Genomes Project 30x 0.12133.
gnomAD v4.1: 22,106 of 852,950 alleles (2.6%); highest among the groups gnomAD compares: African/African-American, 34%; 2,304 homozygotes.

Submission:

GeneDx
Classification: Benign. Last evaluated: 2018-06-16. Review status: criteria provided, single submitter. Criteria: GeneDx Variant Classification (06012015). Collection method: clinical testing. Allele origin: germline. Affected: yes.
Comment: This variant is considered likely benign or benign based on one or more of the following criteria: it is a conservative change, it occurs at a poorly conserved position in the protein, it is predicted to be benign by multiple in silico algorithms, and/or has population frequency not consistent with disease.

NM_004006.3(DMD):c.961-109A>G

Gene: DMD (dystrophin; minus strand). Cytogenetic location: Xp21.1.
Variant type: single nucleotide variant.
Coding change: c.961-109A>G on transcript NM_004006.3 (MANE Select); 109 bases into the intron before coding-DNA position 961, A replaced by G.
Molecular consequence: intron variant.
Genome position (GRCh38, 1-based): chrX:32,645,261, T>C on the plus strand (A>G on the coding strand, the complement: DMD is on the minus strand). VCF-style: chrX-32645261-T-C. GRCh37 (hg19) VCF-style: chrX-32663378-T-C.
Other names: c.937-109A>G (NM_000109.4); c.949-109A>G (NM_004009.3); c.592-109A>G (NM_004010.3).
Identifiers: ClinVar variation 675354 (VCV000675354.1), dbSNP rs16990527, ClinGen allele CA328544816.